The following is an entry in ClinVar:

NM_001017931.3(PAGE3):c.263C>T (p.Pro88Leu)

Gene: PAGE3 (PAGE family member 3; minus strand). Cytogenetic location: Xp11.21.
Variant type: single nucleotide variant.
Coding change: c.263C>T on transcript NM_001017931.3 (MANE Select); coding-DNA position 263, C replaced by T.
Protein change: p.Pro88Leu; replaces proline 88 with leucine.
Molecular consequence: missense variant.
Genome position (GRCh38, 1-based): chrX:55,260,590, G>A on the plus strand (C>T on the coding strand, the complement: PAGE3 is on the minus strand). VCF-style: chrX-55260590-G-A. GRCh37 (hg19) VCF-style: chrX-55287023-G-A.
Other names: c.263C>T, p.Pro88Leu (NM_001171252.2, NM_001303613.2); short protein forms P88L.
Identifiers: ClinVar variation 2660694 (VCV002660694.24), dbSNP rs188128595, ClinGen allele CA10429010.

ClinVar aggregate classification (germline): Likely benign (1 of 4 stars; one submission).

Allele frequency attached by ClinVar (database versions not stated): gnomAD 0.00017; gnomAD exomes 0.00029; TOPMed 0.00034; ExAC 0.00037; 1000 Genomes Project 30x 0.00042; 1000 Genomes Project 0.00053.
gnomAD v4.1: 154 of 564,435 alleles (0.027%); highest among the groups gnomAD compares: East Asian, 0.23%; no homozygotes.

Submission:

CeGaT Center for Human Genetics Tuebingen
Classification: Likely benign. Last evaluated: 2023-02-01. Review status: criteria provided, single submitter. Criteria: CeGaT Center For Human Genetics Tuebingen Variant Classification Criteria Version 2. Collection method: clinical testing. Allele origin: germline. Affected: yes. Observed: 1 variant allele.
Comment: PAGE3: BP4, BS2